The following is an entry in ClinVar:

ClinVar aggregate classification (germline): Uncertain significance (1 of 4 stars; one submission).

Allele frequency attached by ClinVar (database versions not stated): gnomAD exomes below 0.00001; gnomAD 0.00001; ESP Exome Variant Server 0.00008.
gnomAD v4.1: 2 of 1,613,350 alleles (0.00012%); highest among the groups gnomAD compares: Admixed American, 0.0017%; no homozygotes.

Submission:

Labcorp Genetics (formerly Invitae), Labcorp
Classification: Uncertain significance. Last evaluated: 2022-11-22. Review status: criteria provided, single submitter. Criteria: Invitae Variant Classification Sherloc (09022015). Collection method: clinical testing. Allele origin: germline.
Comment: This sequence change replaces valine, which is neutral and non-polar, with methionine, which is neutral and non-polar, at codon 929 of the OBSL1 protein (p.Val929Met). This variant has not been reported in the literature in individuals affected with OBSL1-related conditions. This variant is not present in population databases (gnomAD no frequency). In summary, the available evidence is currently insufficient to determine the role of this variant in disease. Therefore, it has been classified as a Variant of Uncertain Significance. Algorithms developed to predict the effect of missense changes on protein structure and function are either unavailable or do not agree on the potential impact of this missense change (SIFT: "Deleterious"; PolyPhen-2: "Probably Damaging"; Align-GVGD: "Class C0").

NM_015311.3(OBSL1):c.2785G>A (p.Val929Met)

Gene: OBSL1 (obscurin like cytoskeletal adaptor 1; minus strand). Cytogenetic location: 2q35.
Variant type: single nucleotide variant.
Coding change: c.2785G>A on transcript NM_015311.3 (MANE Select); coding-DNA position 2785, G replaced by A.
Protein change: p.Val929Met; replaces valine 929 with methionine.
Molecular consequence: missense variant.
Genome position (GRCh38, 1-based): chr2:219,562,570, C>T on the plus strand (G>A on the coding strand, the complement: OBSL1 is on the minus strand). VCF-style: chr2-219562570-C-T. GRCh37 (hg19) VCF-style: chr2-220427292-C-T.
Other names: c.2785G>A, p.Val929Met (NM_001173408.2, NM_001173431.2); short protein forms V929M.
Identifiers: ClinVar variation 2091424 (VCV002091424.4), dbSNP rs368405827, ClinGen allele CA66031835.